The following is an entry in ClinVar:

NM_000138.5(FBN1):c.1676C>T (p.Ala559Val)

Gene: FBN1 (fibrillin 1; minus strand). Cytogenetic location: 15q21.1.
Variant type: single nucleotide variant.
Coding change: c.1676C>T on transcript NM_000138.5 (MANE Select); coding-DNA position 1676, C replaced by T.
Protein change: p.Ala559Val; replaces alanine 559 with valine.
Molecular consequence: missense variant.
Genome position (GRCh38, 1-based): chr15:48,510,082, G>A on the plus strand (C>T on the coding strand, the complement: FBN1 is on the minus strand). VCF-style: chr15-48510082-G-A. GRCh37 (hg19) VCF-style: chr15-48802279-G-A.
Other names: short protein forms A559V.
Identifiers: ClinVar variation 42291 (VCV000042291.16), dbSNP rs141551765, ClinGen allele CA012446.
Genomic context (GRCh38, chr15:48,510,082, plus strand): 5'-AACATTAGTATACTATTATTACCTTCACAGTTCTTCCCATCTCGTGTAACATGAAAGCCC[G>A]CATTACACACGCAATGAAAACTGCCATCTGTGTTGATGCAGCGTCCATTATTGCAGATCC-3'
Protein context (NP_000129.3, residues 549-569): TDGSFHCVCN[Ala559Val]GFHVTRDGKN

ClinVar aggregate classification (germline): Uncertain significance. Review status: criteria provided, multiple submitters, no conflicts (2 of 4 stars). 6 submissions from 6 submitters: Uncertain significance (6). Last evaluated 2025-10-19.

Conditions:
Marfan syndrome (MFS). Also called: FBN1-Related Marfan Syndrome; Marfan syndrome, classic; MARFAN SYNDROME, TYPE I; Marfan syndrome type 1; Marfan's syndrome. Identifiers: Orphanet 284963, Orphanet 558, MedGen C0024796, MONDO:0007947, OMIM 154700.
Familial thoracic aortic aneurysm and aortic dissection (TAAD). Also called: Thoracic aortic aneurysms and dissections. Identifiers: Orphanet 91387, MedGen C4707243, MONDO:0019625.

Allele frequency attached by ClinVar (database versions not stated): 1000 Genomes Project 30x 0.00016; 1000 Genomes Project 0.00020; TOPMed 0.00006; ESP Exome Variant Server 0.00008; gnomAD 0.00001 and 0.00004; ExAC 0.00002; gnomAD exomes 0.00002 and 0.00001.
gnomAD v4.1: 23 of 1,613,278 alleles (0.0014%); highest among the groups gnomAD compares: East Asian, 0.0089%; no homozygotes.

Submissions (7):

Labcorp Genetics (formerly Invitae), Labcorp
Classification: Uncertain significance for Marfan syndrome; Familial thoracic aortic aneurysm and aortic dissection. Last evaluated: 2025-10-19. Review status: criteria provided, single submitter. Criteria: Invitae Variant Classification Sherloc (09022015). Collection method: clinical testing. Allele origin: germline.
Comment: This sequence change replaces alanine, which is neutral and non-polar, with valine, which is neutral and non-polar, at codon 559 of the FBN1 protein (p.Ala559Val). This variant is present in population databases (rs141551765, gnomAD 0.006%). This missense change has been observed in individuals with clinical features of FBN1-related conditions (PMID: 24793577, 37937776; internal data). ClinVar contains an entry for this variant (Variation ID: 42291). Invitae Evidence Modeling of protein sequence and biophysical properties (such as structural, functional, and spatial information, amino acid conservation, physicochemical variation, residue mobility, and thermodynamic stability) has been performed for this missense variant. However, the output from this modeling did not meet the statistical confidence thresholds required to predict the impact of this variant on FBN1 protein function. In summary, the available evidence is currently insufficient to determine the role of this variant in disease. Therefore, it has been classified as a Variant of Uncertain Significance.

GeneDx
Classification: Uncertain significance. Last evaluated: 2025-02-18. Review status: criteria provided, single submitter. Criteria: GeneDx Variant Classification Process June 2021. Collection method: clinical testing. Allele origin: germline. Affected: yes.
Comment: Identified in an individual with Marfan syndrome who also carried another FBN1 variant (PMID: 24793577); Not observed at significant frequency in large population cohorts (gnomAD); In silico analysis supports that this missense variant has a deleterious effect on protein structure/function; This variant is associated with the following publications: (PMID: 37937776, 12938084, 24793577)

Blueprint Genetics
Classification: Uncertain significance. Last evaluated: 2024-08-15. Review status: criteria provided, single submitter. Criteria: ACMG Guidelines, 2015. Collection method: clinical testing. Allele origin: germline.

All of Us Research Program, National Institutes of Health
Classification: Uncertain significance for Marfan syndrome. Last evaluated: 2024-06-09. Review status: criteria provided, single submitter. Criteria: ACMG Guidelines, 2015. Collection method: clinical testing. Allele origin: germline. Inheritance: Autosomal dominant inheritance. Observed: 2 variant alleles, 2 heterozygotes.
Comment: This missense variant replaces alanine with valine at codon 559 of the FBN1 protein. Computational prediction is inconclusive regarding the impact of this variant on protein structure and function (internally defined REVEL score threshold 0.5 < inconclusive < 0.7, PMID: 27666373). To our knowledge, functional studies have not been reported for this variant. This variant has been reported in an individual suspected of having Marfan syndrome (PMID: 24793577). This variant has been identified in 4/251240 chromosomes in the general population by the Genome Aggregation Database (gnomAD). The available evidence is insufficient to determine the role of this variant in disease conclusively. Therefore, this variant is classified as a Variant of Uncertain Significance.

This study involves interpretation of variants in research participants for the purpose of population health screening. Participant phenotype was not available at the time of variant classification. Additional details can be found in publication PMID: 35346344, PMCID: PMC8962531

Color Diagnostics, LLC DBA Color Health
Classification: Uncertain significance for Familial thoracic aortic aneurysm and aortic dissection. Last evaluated: 2024-05-20. Review status: criteria provided, single submitter. Criteria: ACMG Guidelines, 2015. Collection method: clinical testing. Allele origin: germline.
Comment: This missense variant replaces alanine with valine at codon 559 of the FBN1 protein. Computational prediction tools indicate that this variant's impact on protein structure and function is inconclusive. To our knowledge, functional studies have not been reported for this variant. This variant has been reported in one individual suspected to be affected with Marfan syndrome (PMID: 24793577). This variant has been identified in 4/251240 chromosomes in the general population by the Genome Aggregation Database (gnomAD). The available evidence is insufficient to determine the role of this variant in disease conclusively. Therefore, this variant is classified as a Variant of Uncertain Significance.

Laboratory for Molecular Medicine, Mass General Brigham Personalized Medicine
Classification: Uncertain significance. Last evaluated: 2009-03-30. Review status: criteria provided, single submitter. Criteria: LMM Criteria. Collection method: clinical testing. Allele origin: germline. Observed: 1 variant allele.

Dr. Peter K. Rogan Lab, Western University
No classification provided (evidence only). Condition: Glioma susceptibility 1. Review status: no classification provided. Collection method: in vitro. Allele origin: not applicable. Functional consequence: retained intron. Not counted in ClinVar's aggregate classification.

Literature cited by the submitters: PubMed 24793577 (cited by 3 submitters); PubMed 37937776 (cited by Labcorp Genetics (formerly Invitae), Labcorp).